The following is an entry in ClinVar:

ClinVar aggregate classification (germline): Uncertain significance (1 of 4 stars; one submission).

Submission:

GeneDx
Classification: Uncertain significance. Last evaluated: 2025-03-12. Review status: criteria provided, single submitter. Criteria: GeneDx Variant Classification Process June 2021. Collection method: clinical testing. Allele origin: germline. Affected: yes.
Comment: Not observed at significant frequency in large population cohorts (gnomAD); In silico analysis indicates that this variant does not alter splicing; Has not been previously published as pathogenic or benign to our knowledge

NM_003849.4(SUCLG1):c.423G>A (p.Val141=)

Gene: SUCLG1 (succinate-CoA ligase GDP/ADP-forming subunit alpha; minus strand). Cytogenetic location: 2p11.2.
Variant type: single nucleotide variant.
Coding change: c.423G>A on transcript NM_003849.4 (MANE Select); coding-DNA position 423, G replaced by A.
Protein change: p.Val141=; no amino-acid change (valine 141 retained).
Molecular consequence: synonymous variant.
Genome position (GRCh38, 1-based): chr2:84,441,355, C>T on the plus strand (G>A on the coding strand, the complement: SUCLG1 is on the minus strand). VCF-style: chr2-84441355-C-T. GRCh37 (hg19) VCF-style: chr2-84668479-C-T.
Identifiers: ClinVar variation 4083221 (VCV004083221.1).